The following is an entry in ClinVar:

NM_000363.5(TNNI3):c.128C>T (p.Ala43Val)

Gene: TNNI3 (troponin I3, cardiac type; minus strand). Cytogenetic location: 19q13.42.
Variant type: single nucleotide variant.
Coding change: c.128C>T on transcript NM_000363.5 (MANE Select); coding-DNA position 128, C replaced by T.
Protein change: p.Ala43Val; replaces alanine 43 with valine.
Molecular consequence: missense variant.
Genome position (GRCh38, 1-based): chr19:55,156,625, G>A on the plus strand (C>T on the coding strand, the complement: TNNI3 is on the minus strand). VCF-style: chr19-55156625-G-A. GRCh37 (hg19) VCF-style: chr19-55667993-G-A.
Other names: short protein forms A43V.
Identifiers: ClinVar variation 4710837 (VCV004710837.3).

ClinVar aggregate classification (germline): Conflicting classifications of pathogenicity. Review status: criteria provided, conflicting classifications (1 of 4 stars). 3 submissions from 3 submitters: Likely pathogenic (1); Uncertain significance (2). Last evaluated 2026-06-09.

Conditions:
TNNI3-related disorder. Also called: TNNI3-related condition; TNNI3-related disorders.
Dilated cardiomyopathy 1FF (CMD1FF). Identifiers: Orphanet 154, MedGen C2750091, MONDO:0013211, OMIM 613286.
Hypertrophic cardiomyopathy. Also called: HYPERTROPHIC MYOCARDIOPATHY. Identifiers: Orphanet 217569, MedGen C0007194, MeSH D002312, MONDO:0005045, HP:0001639.

Submissions (3):

Victorian Clinical Genetics Services, Murdoch Childrens Research Institute
Classification: Uncertain significance for Dilated cardiomyopathy 1FF. Last evaluated: 2026-06-09. Review status: criteria provided, single submitter. Criteria: ACMG Guidelines, 2015. Collection method: clinical testing. Allele origin: germline. Affected: yes.
Comment: This variant is classified as VUS-3B. Evidence in support of pathogenic classification: Variant is absent from gnomAD (v2, v3 and v4). Additional information: Variant is predicted to result in a missense amino acid change from Ala to Val; This variant is heterozygous; This gene is associated with both recessive and dominant disease. The recessive form of inheritance is the exception and has only been reported in a small number of families (PMIDs: 15070570, 23270746) - Previous evidence of pathogenicity for this variant is inconclusive. This variant has been classified as a VUS by a clinical laboratory in ClinVar. NB: It is not certain if the proband in PMID: 36252119 is this individual; No published evidence of segregation with disease has been identified for this variant; No published functional evidence has been identified for this variant; Other missense variant(s) comparable to the one identified in this case have conflicting previous evidence for pathogenicity. p.(Ala43Thr) has been classified as likely pathogenic and as a VUS, and p.(Ala43Gly) has been classified as a VUS, by clinical laboratories in ClinVar; Variant is not located in an established domain, motif, hotspot or informative constraint region; Missense variant with inconclusive in silico prediction and/or uninformative conservation; Gain of function and loss of function are reported mechanisms of disease in this gene. Gain of function is associated with dominant familial restrictive cardiomyopathy 1 (MIM#115210) and hypertrophic cardiomyopathy 7 (MIM#613690), while loss of function is associated with recessive dilated cardiomyopathy 2A (MIM#611880). However loss of function is not clearly established mechanism for dominant dilated cardiomyopathy 1FF (MIM#613286) (PMIDs: 19914256, 21533915, ClinGen: CCID:006406); The condition associated with this gene has incomplete penetrance (PMIDs: 15607392, 32731933) - Variants in this gene are known to have variable expressivity (PMID: 23270746); Inheritance information for this variant is not currently available in this individual.

Labcorp Genetics (formerly Invitae), Labcorp
Classification: Uncertain significance for Hypertrophic cardiomyopathy. Last evaluated: 2025-03-25. Review status: criteria provided, single submitter. Criteria: Invitae Variant Classification Sherloc (09022015). Collection method: clinical testing. Allele origin: germline.
Comment: This sequence change replaces alanine, which is neutral and non-polar, with valine, which is neutral and non-polar, at codon 43 of the TNNI3 protein (p.Ala43Val). This variant is not present in population databases (gnomAD no frequency). This missense change has been observed in individual(s) with dilated cardiomyopathy (PMID: 36252119). An algorithm developed to predict the effect of missense changes on protein structure and function (PolyPhen-2) suggests that this variant is likely to be tolerated. In summary, the available evidence is currently insufficient to determine the role of this variant in disease. Therefore, it has been classified as a Variant of Uncertain Significance.

Blueprint Genetics
Classification: Likely pathogenic for TNNI3-related disorders. Last evaluated: 2023-09-27. Review status: criteria provided, single submitter. Criteria: ACMG Guidelines, 2015. Collection method: clinical testing. Allele origin: germline. Affected: yes. Observed: 1 variant allele.

Literature cited by the submitters: PubMed 15070570 (cited by Victorian Clinical Genetics Services, Murdoch Childrens Research Institute); PubMed 23270746 (cited by Victorian Clinical Genetics Services, Murdoch Childrens Research Institute); PubMed 21533915 (cited by Victorian Clinical Genetics Services, Murdoch Childrens Research Institute); PubMed 32731933 (cited by Victorian Clinical Genetics Services, Murdoch Childrens Research Institute); PubMed 19914256 (cited by Victorian Clinical Genetics Services, Murdoch Childrens Research Institute); PubMed 36252119 (cited by Victorian Clinical Genetics Services, Murdoch Childrens Research Institute and Labcorp Genetics (formerly Invitae), Labcorp); PubMed 15607392 (cited by Victorian Clinical Genetics Services, Murdoch Childrens Research Institute).